The following is an entry in ClinVar:

NM_004329.3(BMPR1A):c.531-5A>G

Gene: BMPR1A (bone morphogenetic protein receptor type 1A; plus strand). Cytogenetic location: 10q23.2.
Variant type: single nucleotide variant.
Coding change: c.531-5A>G on transcript NM_004329.3 (MANE Select); 5 bases into the intron before coding-DNA position 531, A replaced by G.
Molecular consequence: intron variant.
Genome position (GRCh38, 1-based): chr10:86,912,235, A>G. VCF-style: chr10-86912235-A-G. GRCh37 (hg19) VCF-style: chr10-88671992-A-G.
Other names: c.531-5A>G (NM_001406562.1, NM_001406568.1, NM_001406567.1 and 20 more transcripts); c.447-5A>G (NM_001406584.1, NM_001406588.1, NM_001406587.1 and 2 more transcripts); c.579-5A>G (NM_001406560.1); c.606-5A>G (NM_001406559.1); c.334-4899A>G (NM_001406589.1).
Identifiers: ClinVar variation 2808852 (VCV002808852.3), dbSNP rs2539571608, ClinGen allele CA2739275930.
Genomic context (GRCh38, chr10:86,912,235, plus strand): 5'-AGGTTTTTCTTAGGGTTTTATAGTTTTTCATTTTTAATGTAGATTGTTTTCTGCTTTTTT[A>G]AAAGACATTATTGCAAGAGCATCTCAAGCAGACGTCGTTACAATCGTGATTTGGAACAGG-3'

ClinVar aggregate classification (germline): Uncertain significance (1 of 4 stars; one submission).

Conditions:
Juvenile polyposis syndrome (JPS). Identifiers: Orphanet 2929, MedGen C0345893, MONDO:0017380, OMIM 174900.

Submission:

Labcorp Genetics (formerly Invitae), Labcorp
Classification: Uncertain significance for Juvenile polyposis syndrome. Last evaluated: 2022-10-18. Review status: criteria provided, single submitter. Criteria: Invitae Variant Classification Sherloc (09022015). Collection method: clinical testing. Allele origin: germline.
Comment: This sequence change falls in intron 7 of the BMPR1A gene. It does not directly change the encoded amino acid sequence of the BMPR1A protein. This variant is not present in population databases (gnomAD no frequency). This variant has not been reported in the literature in individuals affected with BMPR1A-related conditions. Algorithms developed to predict the effect of sequence changes on RNA splicing suggest that this variant may create or strengthen a splice site. In summary, the available evidence is currently insufficient to determine the role of this variant in disease. Therefore, it has been classified as a Variant of Uncertain Significance.